The following is an entry in ClinVar:

NM_001161352.2(KCNMA1):c.3149C>A (p.Thr1050Lys)

Genes: KCNMA1 (potassium calcium-activated channel subfamily M alpha 1; minus strand), KCNMA1-AS1 (KCNMA1 antisense RNA 1; plus strand). Cytogenetic location: 10q22.3.
Variant type: single nucleotide variant.
Coding change: c.3149C>A on transcript NM_001161352.2 (MANE Select); coding-DNA position 3149, C replaced by A.
Protein change: p.Thr1050Lys; replaces threonine 1050 with lysine.
Molecular consequence: missense variant.
Genome position (GRCh38, 1-based): chr10:76,891,718, G>T on the plus strand (C>A on the coding strand, the complement: KCNMA1 is on the minus strand). VCF-style: chr10-76891718-G-T. GRCh37 (hg19) VCF-style: chr10-78651476-G-T.
Other names: c.2987C>A, p.Thr996Lys (NM_001014797.3); c.3098C>A, p.Thr1033Lys (NM_001161353.2); c.2825C>A, p.Thr942Lys (NM_001271518.2); c.3065C>A, p.Thr1022Lys (NM_001271519.2); c.2984C>A, p.Thr995Lys (NM_001322829.2, NM_001322836.2); c.3077C>A, p.Thr1026Lys (NM_001322830.2); c.2975C>A, p.Thr992Lys (NM_001322832.2, NM_001410940.1, NM_002247.4); c.3068C>A, p.Thr1023Lys (NM_001322835.2, NM_001322837.2); and 1 more; short protein forms T1022K, T1023K, T1026K, T1033K, T1050K, T841K, T942K, T992K.
Identifiers: ClinVar variation 3381580 (VCV003381580.1).

ClinVar aggregate classification (germline): Uncertain significance (1 of 4 stars; one submission).

Submission:

GeneDx
Classification: Uncertain significance. Last evaluated: 2024-05-20. Review status: criteria provided, single submitter. Criteria: GeneDx Variant Classification Process June 2021. Collection method: clinical testing. Allele origin: germline. Affected: yes.
Comment: Not observed at significant frequency in large population cohorts (gnomAD); In silico analysis supports that this missense variant has a deleterious effect on protein structure/function; In silico analysis supports a deleterious effect on splicing; Has not been previously published as pathogenic or benign to our knowledge